The following is an entry in ClinVar:

NM_000868.4(HTR2C):c.1300A>G (p.Ile434Val)

Genes: HTR2C (5-hydroxytryptamine receptor 2C; plus strand), LOC126863306 (MED14-independent group 3 enhancer GRCh37_chrX:114140926-114142125; plus strand). Cytogenetic location: Xq23.
Variant type: single nucleotide variant.
Coding change: c.1300A>G on transcript NM_000868.4 (MANE Select); coding-DNA position 1300, A replaced by G.
Protein change: p.Ile434Val; replaces isoleucine 434 with valine.
Molecular consequence: missense variant. On other transcripts: 3 prime UTR variant (1).
Genome position (GRCh38, 1-based): chrX:114,907,338, A>G. VCF-style: chrX-114907338-A-G. GRCh37 (hg19) VCF-style: chrX-114141901-A-G.
Other names: c.1300A>G, p.Ile434Val (NM_001256760.3); c.*458A>G (NM_001256761.3); c.1300A>G (NM_000868.3); short protein forms I434V.
Identifiers: ClinVar variation 3285035 (VCV003285035.4).

ClinVar aggregate classification (germline): Uncertain significance. Review status: criteria provided, multiple submitters, no conflicts (2 of 4 stars). 2 submissions from 2 submitters: Uncertain significance (2). Last evaluated 2026-07-08.

Conditions:
HTR2C-related disorder. Also called: HTR2C-related condition.

gnomAD v4.1: 12 of 1,209,323 alleles (0.00099%); highest among the groups gnomAD compares: Admixed American, 0.022%; no homozygotes.

Submissions (2):

Ambry Genetics
Classification: Uncertain significance. Last evaluated: 2026-07-08. Review status: criteria provided, single submitter. Criteria: Ambry Variant Classification Scheme 2023. Collection method: clinical testing. Allele origin: germline.
Comment: The c.1300A>G (p.I434V) alteration is located in exon 6 (coding exon 4) of the HTR2C gene. This alteration results from a A to G substitution at nucleotide position 1300, causing the isoleucine (I) at amino acid position 434 to be replaced by a valine (V). Based on data from gnomAD, the G allele has an overall frequency of <0.001% (1/183149) total alleles studied. The highest observed frequency was 0.004% (1/27425) of Latino alleles. Based on insufficient or conflicting evidence, the clinical significance of this alteration remains unclear.

PreventionGenetics, part of Exact Sciences
Classification: Uncertain significance for HTR2C-related condition. Last evaluated: 2025-07-28. Review status: criteria provided, single submitter. Criteria: ACMG Guidelines, 2015. Collection method: clinical testing. Allele origin: germline.
Comment: The HTR2C c.1300A>G variant is predicted to result in the amino acid substitution p.Ile434Val. To our knowledge, this variant has not been reported in the literature. This variant is reported in 0.0036% of alleles in individuals of Latino descent in gnomAD, including one hemizygote. At this time, the clinical significance of this variant is uncertain due to the absence of conclusive functional and genetic evidence.